The following is an entry in ClinVar:

NM_004327.4(BCR):c.685C>T (p.Pro229Ser)

Gene: BCR (BCR activator of RhoGEF and GTPase; plus strand). Cytogenetic location: 22q11.23.
Variant type: single nucleotide variant.
Coding change: c.685C>T on transcript NM_004327.4 (MANE Select); coding-DNA position 685, C replaced by T.
Protein change: p.Pro229Ser; replaces proline 229 with serine.
Molecular consequence: missense variant.
Genome position (GRCh38, 1-based): chr22:23,181,645, C>T. VCF-style: chr22-23181645-C-T. GRCh37 (hg19) VCF-style: chr22-23523832-C-T.
Other names: c.685C>T, p.Pro229Ser (NM_021574.3); short protein forms P229S.
Identifiers: ClinVar variation 625895 (VCV000625895.4), dbSNP rs1441856766, ClinGen allele CA410889368.

ClinVar aggregate classification (germline): Uncertain significance (1 of 4 stars; one submission).

Conditions:
Chronic myeloid leukemia. Also called: Chronic myelogenous leukemia; Chronic myelogenous leukemia, BCR-ABL1 positive. Identifiers: Orphanet 521, MedGen C0279543, MeSH D015464, MONDO:0011996, OMIM 608232, HP:0005506.
Acute lymphoid leukemia (ALL). Also called: Leukemia, acute lymphoblastic, somatic; Acute lymphoblastic leukemia; Acute lymphocytic leukemia; Lymphoblastic leukemia. Identifiers: Orphanet 513, MedGen C0023449, MONDO:0004967, OMIM 613065, HP:0006721.

Allele frequency attached by ClinVar (database versions not stated): gnomAD exomes below 0.00001; gnomAD 0.00001.
gnomAD v4.1: 3 of 1,609,564 alleles (0.00019%); highest among the groups gnomAD compares: African/African-American, 0.0013%; no homozygotes.

Submission:

Center for Genomics, Ann and Robert H. Lurie Children's Hospital of Chicago
Classification: Uncertain significance for Chronic myeloid leukemia; Acute lymphoid leukemia. Review status: criteria provided, single submitter. Criteria: ACMG Guidelines, 2015. Collection method: clinical testing. Allele origin: germline.
Comment: BCR NM_004327.3 exon 1 p.Pro229Ser (c.685C>T): This variant has not been reported in the literature but is present in 1/8728 African alleles in the Genome Aggregation Database. This variant amino acid Serine (Ser) is present in 3 species; this suggests that this variant may not impact the protein. Additional computational prediction tools do not suggest an impact. In summary, data on this variant is insufficient for disease classification. Therefore, the clinical significance of this variant is uncertain.